The following is an entry in ClinVar:

ClinVar aggregate classification (germline): Uncertain significance (1 of 4 stars; one submission).

Conditions:
Werner syndrome (WRN). Identifiers: Orphanet 902, MedGen C0043119, MONDO:0010196, OMIM 277700.

Allele frequency attached by ClinVar (database versions not stated): gnomAD exomes below 0.00001.
gnomAD v4.1: 3 of 1,614,126 alleles (0.00019%); highest among the groups gnomAD compares: Non-Finnish European, 0.00025%; no homozygotes.

Submission:

Labcorp Genetics (formerly Invitae), Labcorp
Classification: Uncertain significance for Werner syndrome. Last evaluated: 2016-12-09. Review status: criteria provided, single submitter. Criteria: Invitae Variant Classification Sherloc (09022015). Collection method: clinical testing. Allele origin: germline.
Comment: In summary, this variant is a novel missense change that is not predicted to affect protein function. There is no indication that it causes disease, but the available evidence is currently insufficient to prove that conclusively. Therefore, it has been classified as a Variant of Uncertain Significance. This variant is not present in population databases (ExAC no frequency) and has not been reported in the literature in individuals with a WRN-related disease. Algorithms developed to predict the effect of missense changes on protein structure and function output the following: (SIFT: "Tolerated"; PolyPhen-2: "Benign"; Align-GVGD: "Class C0"). The glutamic acid amino acid residue is found in multiple mammalian species, suggesting that this missense change does not adversely affect protein function. These predictions have not been confirmed by published functional studies. This sequence change replaces aspartic acid with glutamic acid at codon 950 of the WRN protein (p.Asp950Glu). The aspartic acid residue is weakly conserved and there is a small physicochemical difference between aspartic acid and glutamic acid.

NM_000553.6(WRN):c.2850T>G (p.Asp950Glu)

Gene: WRN (WRN RecQ like helicase; plus strand). Cytogenetic location: 8p12.
Variant type: single nucleotide variant.
Coding change: c.2850T>G on transcript NM_000553.6 (MANE Select); coding-DNA position 2850, T replaced by G.
Protein change: p.Asp950Glu; replaces aspartic acid 950 with glutamic acid.
Molecular consequence: missense variant.
Genome position (GRCh38, 1-based): chr8:31,132,389, T>G. VCF-style: chr8-31132389-T-G. GRCh37 (hg19) VCF-style: chr8-30989905-T-G.
Other names: short protein forms D950E.
Identifiers: ClinVar variation 404024 (VCV000404024.3), dbSNP rs1012917204, ClinGen allele CA16612611.
Genomic context (GRCh38, chr8:31,132,389, plus strand): 5'-GCTAAGCTTTCTTCAAATGTTATTATTTTTATTTAGATTGGATCATTGCTATTCCATGGA[T>G]GACTCAGAGGATACATCCTGGGACTTTGGTCCACAAGCATTTAAGCTTTTGTCTGCTGTG-3'
Protein context (NP_000544.2, residues 940-960): RSRLDHCYSM[Asp950Glu]DSEDTSWDFG